The following is an entry in ClinVar:

ClinVar aggregate classification (germline): Uncertain significance (1 of 4 stars; one submission).

Conditions:
Microcephaly-intellectual disability-sensorineural hearing loss-epilepsy-abnormal muscle tone syndrome (NEDHSB). Also called: NEURODEVELOPMENTAL DISORDER WITH HEARING LOSS, SEIZURES, AND BRAIN ABNORMALITIES. Identifiers: Orphanet 457351, MedGen C4225276, MONDO:0014698, OMIM 616577.

Allele frequency attached by ClinVar (database versions not stated): gnomAD exomes below 0.00001.
gnomAD v4.1: 1 of 1,612,116 alleles (0.000062%); highest among the groups gnomAD compares: Non-Finnish European, 0.000085%; no homozygotes.

Submission:

Labcorp Genetics (formerly Invitae), Labcorp
Classification: Uncertain significance for Microcephaly-intellectual disability-sensorineural hearing loss-epilepsy-abnormal muscle tone syndrome. Last evaluated: 2024-10-21. Review status: criteria provided, single submitter. Criteria: Invitae Variant Classification Sherloc (09022015). Collection method: clinical testing. Allele origin: germline.
Comment: This sequence change falls in intron 12 of the SPATA5 gene. It does not directly change the encoded amino acid sequence of the SPATA5 protein. It affects a nucleotide within the consensus splice site. This variant is not present in population databases (gnomAD no frequency). This variant has not been reported in the literature in individuals affected with SPATA5-related conditions. ClinVar contains an entry for this variant (Variation ID: 1359806). Variants that disrupt the consensus splice site are a relatively common cause of aberrant splicing (PMID: 17576681, 9536098). Algorithms developed to predict the effect of sequence changes on RNA splicing suggest that this variant may disrupt the consensus splice site. In summary, the available evidence is currently insufficient to determine the role of this variant in disease. Therefore, it has been classified as a Variant of Uncertain Significance.

Literature cited by the submitters: PubMed 17576681; PubMed 9536098.

NM_145207.3(AFG2A):c.2133+3A>T

Gene: AFG2A (AAA ATPase AFG2A; plus strand). Cytogenetic location: 4q28.1.
Variant type: single nucleotide variant.
Coding change: c.2133+3A>T on transcript NM_145207.3 (MANE Select); 3 bases into the intron after coding-DNA position 2133, A replaced by T.
Molecular consequence: intron variant.
Genome position (GRCh38, 1-based): chr4:123,056,443, A>T. VCF-style: chr4-123056443-A-T. GRCh37 (hg19) VCF-style: chr4-123977598-A-T.
Other names: c.2130+3A>T (NM_001345856.2).
Identifiers: ClinVar variation 1359806 (VCV001359806.5), dbSNP rs2125965364, ClinGen allele CA2573138069.